The following is an entry in ClinVar:

ClinVar aggregate classification (germline): Uncertain significance (0 of 4 stars; one submission).

Conditions:
FOXA2-related disorder. Also called: FOXA2-related condition.

Submission:

PreventionGenetics, part of Exact Sciences
Classification: Uncertain significance for FOXA2-related condition. Last evaluated: 2024-06-05. Review status: no assertion criteria provided. Collection method: clinical testing. Allele origin: germline.
Comment: The FOXA2 c.1358G>A variant is predicted to result in the amino acid substitution p.Gly453Glu. To our knowledge, this variant has not been reported in the literature or in a large population database, indicating this variant is rare. At this time, the clinical significance of this variant is uncertain due to the absence of conclusive functional and genetic evidence.

NM_021784.5(FOXA2):c.1358G>A (p.Gly453Glu)

Gene: FOXA2 (forkhead box A2; minus strand). Cytogenetic location: 20p11.21.
Variant type: single nucleotide variant.
Coding change: c.1358G>A on transcript NM_021784.5 (MANE Select); coding-DNA position 1358, G replaced by A.
Protein change: p.Gly453Glu; replaces glycine 453 with glutamic acid.
Molecular consequence: missense variant.
Genome position (GRCh38, 1-based): chr20:22,581,884, C>T on the plus strand (G>A on the coding strand, the complement: FOXA2 is on the minus strand). VCF-style: chr20-22581884-C-T. GRCh37 (hg19) VCF-style: chr20-22562522-C-T.
Other names: c.1340G>A, p.Gly447Glu (NM_153675.3); short protein forms G447E, G453E.
Identifiers: ClinVar variation 3356852 (VCV003356852.1).